The following is an entry in ClinVar:

NM_005585.5(SMAD6):c.1169G>T (p.Gly390Val)

Gene: SMAD6 (SMAD family member 6; plus strand). Cytogenetic location: 15q22.31.
Variant type: single nucleotide variant.
Coding change: c.1169G>T on transcript NM_005585.5 (MANE Select); coding-DNA position 1169, G replaced by T.
Protein change: p.Gly390Val; replaces glycine 390 with valine.
Molecular consequence: missense variant. On other transcripts: non-coding transcript variant (1).
Genome position (GRCh38, 1-based): chr15:66,781,213, G>T. VCF-style: chr15-66781213-G-T. GRCh37 (hg19) VCF-style: chr15-67073551-G-T.
Other names: short protein forms G390V.
Identifiers: ClinVar variation 2739202 (VCV002739202.1), dbSNP rs1469057483, ClinGen allele CA393202006.

ClinVar aggregate classification (germline): Uncertain significance (1 of 4 stars; one submission).

Conditions:
Aortic valve disease 2 (AOVD2). Identifiers: MedGen C3542024, MONDO:0013902, OMIM 614823.

Submission:

Labcorp Genetics (formerly Invitae), Labcorp
Classification: Uncertain significance for Aortic valve disease 2. Last evaluated: 2024-01-06. Review status: criteria provided, single submitter. Criteria: Invitae Variant Classification Sherloc (09022015). Collection method: clinical testing. Allele origin: germline.
Comment: This sequence change replaces glycine, which is neutral and non-polar, with valine, which is neutral and non-polar, at codon 390 of the SMAD6 protein (p.Gly390Val). This variant is not present in population databases (gnomAD no frequency). This variant has not been reported in the literature in individuals affected with SMAD6-related conditions. Advanced modeling of protein sequence and biophysical properties (such as structural, functional, and spatial information, amino acid conservation, physicochemical variation, residue mobility, and thermodynamic stability) performed at Invitae indicates that this missense variant is expected to disrupt SMAD6 protein function with a positive predictive value of 80%. In summary, the available evidence is currently insufficient to determine the role of this variant in disease. Therefore, it has been classified as a Variant of Uncertain Significance.